The following is an entry in ClinVar:

NM_001378778.1(MPDZ):c.5209G>A (p.Gly1737Arg)

Gene: MPDZ (multiple PDZ domain crumbs cell polarity complex component; minus strand). Cytogenetic location: 9p23.
Variant type: single nucleotide variant.
Coding change: c.5209G>A on transcript NM_001378778.1 (MANE Select); coding-DNA position 5209, G replaced by A.
Protein change: p.Gly1737Arg; replaces glycine 1737 with arginine.
Molecular consequence: missense variant.
Genome position (GRCh38, 1-based): chr9:13,121,761, C>T on the plus strand (G>A on the coding strand, the complement: MPDZ is on the minus strand). VCF-style: chr9-13121761-C-T. GRCh37 (hg19) VCF-style: chr9-13121760-C-T.
Other names: c.5110G>A, p.Gly1704Arg (NM_001261406.2, NM_001261407.2, NM_001375416.1 and 3 more transcripts); c.5209G>A, p.Gly1737Arg (NM_001330637.2, NM_003829.5); c.5308G>A, p.Gly1770Arg (NM_001375413.1); c.4999G>A, p.Gly1667Arg (NM_001375420.1, NM_001375421.1, NM_001375422.1 and 4 more transcripts); c.4801G>A, p.Gly1601Arg (NM_001375427.1); short protein forms G1704R, G1601R, G1667R, G1737R, G1770R.
Identifiers: ClinVar variation 1525645 (VCV001525645.6), dbSNP rs1944384149, ClinGen allele CA372944147.

ClinVar aggregate classification (germline): Uncertain significance (1 of 4 stars; one submission).

Submission:

Labcorp Genetics (formerly Invitae), Labcorp
Classification: Uncertain significance. Last evaluated: 2022-11-22. Review status: criteria provided, single submitter. Criteria: Invitae Variant Classification Sherloc (09022015). Collection method: clinical testing. Allele origin: germline.
Comment: This variant has not been reported in the literature in individuals affected with MPDZ-related conditions. This variant is not present in population databases (gnomAD no frequency). This sequence change replaces glycine, which is neutral and non-polar, with arginine, which is basic and polar, at codon 1737 of the MPDZ protein (p.Gly1737Arg). In summary, the available evidence is currently insufficient to determine the role of this variant in disease. Therefore, it has been classified as a Variant of Uncertain Significance. Algorithms developed to predict the effect of sequence changes on RNA splicing suggest that this variant may disrupt the consensus splice site. Algorithms developed to predict the effect of missense changes on protein structure and function (SIFT, PolyPhen-2, Align-GVGD) all suggest that this variant is likely to be disruptive. ClinVar contains an entry for this variant (Variation ID: 1525645).